The following is an entry in ClinVar:

NM_000304.4(PMP22):c.320-27_320-6dup

Gene: PMP22 (peripheral myelin protein 22; minus strand). Cytogenetic location: 17p12.
Variant type: Duplication.
Coding change: c.320-27_320-6dup on transcript NM_000304.4 (MANE Select); 27 bases into the intron before coding-DNA position 320 through 6 bases into the intron before coding-DNA position 320, 22 bases duplicated (ACCCAGCTTGTCCCTCTCCTTC).
Molecular consequence: intron variant.
Genome position (GRCh38, 1-based): chr17:15,231,086-15,231,107, GAAGGAGAGGGACAAGCTGGGT duplicated on the plus strand (ACCCAGCTTGTCCCTCTCCTTC on the coding strand, the reverse complement: PMP22 is on the minus strand); duplicating any 22 consecutive bases within chr17:15,231,086-15,231,109 gives the same sequence; the c. name uses the placement nearest the transcript's 3' end. VCF-style (leftmost placement, unchanged base first): chr17-15231085-G-GGAAGGAGAGGGACAAGCTGGGT. GRCh37 (hg19) VCF-style: chr17-15134402-G-GGAAGGAGAGGGACAAGCTGGGT.
Other names: c.320-27_320-6dup (NM_001281456.2, NM_153321.3, NM_001281455.2 and 1 more transcripts).
Identifiers: ClinVar variation 3663925 (VCV003663925.2).

ClinVar aggregate classification (germline): Uncertain significance (1 of 4 stars; one submission).

Conditions:
Charcot-Marie-Tooth disease, type I (CMT1). Also called: Charcot-Marie-Tooth, Type 1; Charcot-Marie-Tooth disease type 1. Identifiers: Orphanet 65753, MedGen C0751036, MONDO:0019011.

Submission:

Labcorp Genetics (formerly Invitae), Labcorp
Classification: Uncertain significance for Charcot-Marie-Tooth disease, type I. Last evaluated: 2024-08-29. Review status: criteria provided, single submitter. Criteria: Invitae Variant Classification Sherloc (09022015). Collection method: clinical testing. Allele origin: germline.
Comment: This sequence change falls in intron 4 of the PMP22 gene. It does not directly change the encoded amino acid sequence of the PMP22 protein. This variant is not present in population databases (gnomAD no frequency). This variant has not been reported in the literature in individuals affected with PMP22-related conditions. Experimental studies and prediction algorithms are not available or were not evaluated, and the effect of this variant on mRNA splicing is currently unknown. In summary, the available evidence is currently insufficient to determine the role of this variant in disease. Therefore, it has been classified as a Variant of Uncertain Significance.